The following is an entry in ClinVar:

ClinVar aggregate classification (germline): Uncertain significance. Review status: criteria provided, multiple submitters, no conflicts (2 of 4 stars). 2 submissions from 2 submitters: Uncertain significance (2). Last evaluated 2025-10-30.

Conditions:
Clark-Baraitser syndrome. Also called: Intellectual disability, autosomal dominant 49; MENTAL RETARDATION, AUTOSOMAL DOMINANT 49; BARAITSER SYNDROME; Mental retardation, tall stature, obesity, macrocephaly and typical facial features. Identifiers: Orphanet 600731, MedGen C2931130, MONDO:0030914, OMIM 617752.

Allele frequency attached by ClinVar (database versions not stated): gnomAD exomes 0.00001 and below 0.00001; TOPMed below 0.00001; gnomAD 0.00001.
gnomAD v4.1: 7 of 1,613,896 alleles (0.00043%); highest among the groups gnomAD compares: Non-Finnish European, 0.00059%; no homozygotes.

Submissions (2):

Dasa
Classification: Uncertain significance for Clark-Baraitser syndrome. Last evaluated: 2025-10-30. Review status: criteria provided, single submitter. Criteria: DASA Assertion Criteria. Collection method: clinical testing. Allele origin: germline.
Comment: NM_001348323.3(TRIP12):c.2362A>G (p.Lys788Glu) is a missense variant that results in the substitution of lysine with glutamic acid. This variant is rare in population databases. Computational prediction algorithms are consistent with a benign effect. The currently available literature and clinical evidence are not sufficient to establish a definitive association between this variant and the reported condition. Therefore, this variant is classified as a variant of uncertain significance.

Women's Health and Genetics/Laboratory Corporation of America, LabCorp
Classification: Uncertain significance. Last evaluated: 2022-03-08. Review status: criteria provided, single submitter. Criteria: LabCorp Variant Classification Summary - May 2015. Collection method: clinical testing. Allele origin: germline.
Comment: Variant summary: TRIP12 c.2362A>G (p.Lys788Glu) results in a conservative amino acid change in the encoded protein sequence. Four of five in-silico tools predict a benign effect of the variant on protein function. The variant allele was found at a frequency of 4e-06 in 250992 control chromosomes. The available data on variant occurrences in the general population are insufficient to allow any conclusion about variant significance. To our knowledge, no occurrence of c.2362A>G in individuals affected with Clark-Baraitser Syndrome and no experimental evidence demonstrating its impact on protein function have been reported. No clinical diagnostic laboratories have submitted clinical-significance assessments for this variant to ClinVar after 2014. Based on the evidence outlined above, the variant was classified as uncertain significance.

NM_001348323.3(TRIP12):c.2362A>G (p.Lys788Glu)

Gene: TRIP12 (thyroid hormone receptor interactor 12; minus strand). Cytogenetic location: 2q36.3.
Variant type: single nucleotide variant.
Coding change: c.2362A>G on transcript NM_001348323.3 (MANE Select); coding-DNA position 2362, A replaced by G.
Protein change: p.Lys788Glu; replaces lysine 788 with glutamic acid.
Molecular consequence: missense variant.
Genome position (GRCh38, 1-based): chr2:229,807,842, T>C on the plus strand (A>G on the coding strand, the complement: TRIP12 is on the minus strand). VCF-style: chr2-229807842-T-C. GRCh37 (hg19) VCF-style: chr2-230672558-T-C.
Other names: c.2362A>G, p.Lys788Glu (NM_001284214.2, NM_001348315.2, NM_001348319.1 and 11 more transcripts); c.2236A>G, p.Lys746Glu (NM_001284215.2, NM_001348316.2, NM_001348317.1 and 2 more transcripts); c.1327A>G, p.Lys443Glu (NM_001284216.2); c.2275A>G, p.Lys759Glu (NM_001348332.1); c.2218A>G, p.Lys740Glu (NM_004238.3); short protein forms K443E, K740E, K746E, K759E, K788E.
Identifiers: ClinVar variation 1677044 (VCV001677044.3), dbSNP rs1373424845, ClinGen allele CA350917364.
Genomic context (GRCh38, chr2:229,807,842, plus strand): 5'-CATCTGTGTTCTGTGCATTTCCCTTCTTCAACATGGTATCAACTGCAAAAATGCCTTCTT[T>C]TGGTAAACATGGCATAAGTTCACTGAAAACAAAAAGTACAATAATTTTAGTAACTTTATG-3'
Protein context (NP_001335252.1, residues 778-798): LICELMPCLP[Lys788Glu]EGIFAVDTML